The following is an entry in ClinVar:

ClinVar aggregate classification (germline): Uncertain significance. Review status: criteria provided, multiple submitters, no conflicts (2 of 4 stars). 2 submissions from 2 submitters: Uncertain significance (2). Last evaluated 2026-03-15.

Conditions:
LAMA5-related disorder. Also called: LAMA5-related condition; LAMA5-Related Disorders.

Allele frequency attached by ClinVar (database versions not stated): ESP Exome Variant Server 0.00015; TOPMed 0.00038; gnomAD 0.00042.
gnomAD v4.1: 189 of 1,580,244 alleles (0.012%); highest among the groups gnomAD compares: African/African-American, 0.12%; no homozygotes.

Submissions (2):

PreventionGenetics, part of Exact Sciences
Classification: Uncertain significance for LAMA5-related condition. Last evaluated: 2026-03-15. Review status: criteria provided, single submitter. Criteria: ACMG Guidelines, 2015. Collection method: clinical testing. Allele origin: germline.
Comment: The LAMA5 c.9034G>A variant is predicted to result in the amino acid substitution p.Val3012Ile. To our knowledge, this variant has not been reported in the literature. This variant is reported in 0.11% of alleles in individuals of African descent in gnomAD. Although we suspect that this variant may be benign, at this time, the clinical significance of this variant is uncertain due to the absence of conclusive functional and genetic evidence.

Labcorp Genetics (formerly Invitae), Labcorp
Classification: Uncertain significance. Last evaluated: 2025-09-15. Review status: criteria provided, single submitter. Criteria: Invitae Variant Classification Sherloc (09022015). Collection method: clinical testing. Allele origin: germline.
Comment: This sequence change replaces valine, which is neutral and non-polar, with isoleucine, which is neutral and non-polar, at codon 3012 of the LAMA5 protein (p.Val3012Ile). This variant is present in population databases (rs141366753, gnomAD 0.1%). This variant has not been reported in the literature in individuals affected with LAMA5-related conditions. ClinVar contains an entry for this variant (Variation ID: 2069557). An algorithm developed to predict the effect of missense changes on protein structure and function outputs the following: PolyPhen-2: "Possibly Damaging". The isoleucine amino acid residue is found in multiple mammalian species, which suggests that this missense change does not adversely affect protein function. In summary, the available evidence is currently insufficient to determine the role of this variant in disease. Therefore, it has been classified as a Variant of Uncertain Significance.

NM_005560.6(LAMA5):c.9034G>A (p.Val3012Ile)

Gene: LAMA5 (laminin subunit alpha 5; minus strand). Cytogenetic location: 20q13.33.
Variant type: single nucleotide variant.
Coding change: c.9034G>A on transcript NM_005560.6 (MANE Select); coding-DNA position 9034, G replaced by A.
Protein change: p.Val3012Ile; replaces valine 3012 with isoleucine.
Molecular consequence: missense variant.
Genome position (GRCh38, 1-based): chr20:62,312,932, C>T on the plus strand (G>A on the coding strand, the complement: LAMA5 is on the minus strand). VCF-style: chr20-62312932-C-T. GRCh37 (hg19) VCF-style: chr20-60887988-C-T.
Other names: c.9034G>A (NM_005560.4); short protein forms V3012I.
Identifiers: ClinVar variation 2069557 (VCV002069557.6), dbSNP rs141366753, ClinGen allele CA9940456.